The following is an entry in ClinVar:

NM_147686.4(TRAF3IP2):c.959C>T (p.Pro320Leu)

Genes: TRAF3IP2 (TRAF3 interacting protein 2; minus strand), TRAF3IP2-AS1 (TRAF3IP2 antisense RNA 1; plus strand). Cytogenetic location: 6q21.
Variant type: single nucleotide variant.
Coding change: c.959C>T on transcript NM_147686.4 (MANE Select); coding-DNA position 959, C replaced by T.
Protein change: p.Pro320Leu; replaces proline 320 with leucine.
Molecular consequence: missense variant.
Genome position (GRCh38, 1-based): chr6:111,580,260, G>A on the plus strand (C>T on the coding strand, the complement: TRAF3IP2 is on the minus strand). VCF-style: chr6-111580260-G-A. GRCh37 (hg19) VCF-style: chr6-111901463-G-A.
Other names: c.959C>T (NM_147686.2); c.959C>T, p.Pro320Leu (NM_001164281.3); c.986C>T, p.Pro329Leu (NM_147200.3); short protein forms P329L, P320L.
Identifiers: ClinVar variation 2149210 (VCV002149210.5), dbSNP rs542280080, ClinGen allele CA3963221.
Genomic context (GRCh38, chr6:111,580,260, plus strand): 5'-TGCCTTGGAAGCCCCGGAAAGGAGCAGTCTCTCTGTGCGGGCCTCTCTTCGTGGTCCCAG[G>A]GGCTGGGATAATTCAGGATAACCTTCTGCACAGGGTGCAGGCCTCTCACACTGGCTCCAG-3'
Protein context (NP_679211.2, residues 310-330): VQKVILNYPS[Pro320Leu]WDHEERPAQR

ClinVar aggregate classification (germline): Uncertain significance. Review status: criteria provided, multiple submitters, no conflicts (2 of 4 stars). 2 submissions from 2 submitters: Uncertain significance (2). Last evaluated 2024-12-25.

Conditions:
Candidiasis, familial, 8 (CANDF8). Identifiers: Orphanet 1334, MedGen C3714992, MONDO:0014230, OMIM 615527.

Allele frequency attached by ClinVar (database versions not stated): ExAC 0.00003; gnomAD 0.00008; TOPMed 0.00009; 1000 Genomes Project 30x 0.00016; 1000 Genomes Project 0.00020.

Submissions (2):

Ambry Genetics
Classification: Uncertain significance. Last evaluated: 2024-12-25. Review status: criteria provided, single submitter. Criteria: Ambry Variant Classification Scheme 2023. Collection method: clinical testing. Allele origin: germline.

Labcorp Genetics (formerly Invitae), Labcorp
Classification: Uncertain significance for Candidiasis, familial, 8. Last evaluated: 2023-03-28. Review status: criteria provided, single submitter. Criteria: Invitae Variant Classification Sherloc (09022015). Collection method: clinical testing. Allele origin: germline.
Comment: In summary, the available evidence is currently insufficient to determine the role of this variant in disease. Therefore, it has been classified as a Variant of Uncertain Significance. This sequence change replaces proline, which is neutral and non-polar, with leucine, which is neutral and non-polar, at codon 320 of the TRAF3IP2 protein (p.Pro320Leu). This variant is present in population databases (rs542280080, gnomAD 0.03%). This variant has not been reported in the literature in individuals affected with TRAF3IP2-related conditions. ClinVar contains an entry for this variant (Variation ID: 2149210). Advanced modeling of protein sequence and biophysical properties (such as structural, functional, and spatial information, amino acid conservation, physicochemical variation, residue mobility, and thermodynamic stability) performed at Invitae indicates that this missense variant is not expected to disrupt TRAF3IP2 protein function.